The following is an entry in ClinVar:

NM_001014987.2(LAT):c.355G>A (p.Asp119Asn)

Gene: LAT (linker for activation of T cells; plus strand). Cytogenetic location: 16p11.2.
Variant type: single nucleotide variant.
Coding change: c.355G>A on transcript NM_001014987.2 (MANE Select); coding-DNA position 355, G replaced by A.
Protein change: p.Asp119Asn; replaces aspartic acid 119 with asparagine.
Molecular consequence: missense variant.
Genome position (GRCh38, 1-based): chr16:28,986,671, G>A. VCF-style: chr16-28986671-G-A. GRCh37 (hg19) VCF-style: chr16-28997992-G-A.
Other names: c.352G>A, p.Asp118Asn (NM_001014988.2); c.463G>A, p.Asp155Asn (NM_001014989.2); c.442G>A, p.Asp148Asn (NM_014387.4); short protein forms D155N, D118N, D119N, D148N.
Identifiers: ClinVar variation 2016868 (VCV002016868.4), dbSNP rs1345953905, ClinGen allele CA395441715.

ClinVar aggregate classification (germline): Uncertain significance (1 of 4 stars; one submission).

Submission:

Labcorp Genetics (formerly Invitae), Labcorp
Classification: Uncertain significance. Last evaluated: 2022-07-24. Review status: criteria provided, single submitter. Criteria: Invitae Variant Classification Sherloc (09022015). Collection method: clinical testing. Allele origin: germline.
Comment: In summary, the available evidence is currently insufficient to determine the role of this variant in disease. Therefore, it has been classified as a Variant of Uncertain Significance. Algorithms developed to predict the effect of missense changes on protein structure and function output the following: SIFT: "Tolerated"; PolyPhen-2: "Benign"; Align-GVGD: "Class C0". The asparagine amino acid residue is found in multiple mammalian species, which suggests that this missense change does not adversely affect protein function. This variant has not been reported in the literature in individuals affected with LAT-related conditions. This variant is not present in population databases (gnomAD no frequency). This sequence change replaces aspartic acid, which is acidic and polar, with asparagine, which is neutral and polar, at codon 119 of the LAT protein (p.Asp119Asn).